The following is an entry in ClinVar:

NM_004820.5(CYP7B1):c.956G>T (p.Arg319Leu)

Gene: CYP7B1 (cytochrome P450 family 7 subfamily B member 1; minus strand). Cytogenetic location: 8q12.3.
Variant type: single nucleotide variant.
Coding change: c.956G>T on transcript NM_004820.5 (MANE Select); coding-DNA position 956, G replaced by T.
Protein change: p.Arg319Leu; replaces arginine 319 with leucine.
Molecular consequence: missense variant.
Genome position (GRCh38, 1-based): chr8:64,615,127, C>A on the plus strand (G>T on the coding strand, the complement: CYP7B1 is on the minus strand). VCF-style: chr8-64615127-C-A. GRCh37 (hg19) VCF-style: chr8-65527684-C-A.
Other names: c.956G>T, p.Arg319Leu (NM_001324112.2); c.956G>T (NM_004820.4); short protein forms R319L.
Identifiers: ClinVar variation 954090 (VCV000954090.10), dbSNP rs767826482, ClinGen allele CA4764100.
Genomic context (GRCh38, chr8:64,615,127, plus strand): 5'-ATGGGAAATCCAGACCCTTTCTTTTGACCTGTTGACTGCAGCAAACGGTCAATTTCGTCA[C>A]GCACTGCTGCCATAGCTTCTGGGTGCCGCAGAAGATAATACATTGCCCAGAACATAGTTG-3'
Protein context (NP_004811.1, residues 309-329): LRHPEAMAAV[Arg319Leu]DEIDRLLQST

ClinVar aggregate classification (germline): Uncertain significance. Review status: criteria provided, multiple submitters, no conflicts (2 of 4 stars). 4 submissions from 4 submitters: Uncertain significance (4). Last evaluated 2025-11-04.

Conditions:
CYP7B1-related disorder. Also called: CYP7B1-related condition.
Inborn genetic diseases. Identifiers: MedGen C0950123, MeSH D030342.
Spastic paraplegia. Identifiers: MedGen C0037772, HP:0001258.

Allele frequency attached by ClinVar (database versions not stated): gnomAD 0.00001; TOPMed 0.00001; ExAC 0.00002; gnomAD exomes 0.00002.
gnomAD v4.1: 34 of 1,613,552 alleles (0.0021%); highest among the groups gnomAD compares: Non-Finnish European, 0.0029%; no homozygotes.

Submissions (4):

PreventionGenetics, part of Exact Sciences
Classification: Uncertain significance for CYP7B1-related condition. Last evaluated: 2025-11-04. Review status: criteria provided, single submitter. Criteria: ACMG Guidelines, 2015. Collection method: clinical testing. Allele origin: germline.
Comment: The CYP7B1 c.956G>T variant is predicted to result in the amino acid substitution p.Arg319Leu. To our knowledge, this variant has not been reported in the literature. This variant is reported in 0.0035% of alleles in individuals of European (non-Finnish) descent in gnomAD and is classified as uncertain in ClinVar (Variation ID: 954090). At this time, the clinical significance of this variant is uncertain due to the absence of conclusive functional and genetic evidence.

Labcorp Genetics (formerly Invitae), Labcorp
Classification: Uncertain significance for Spastic paraplegia. Last evaluated: 2025-07-07. Review status: criteria provided, single submitter. Criteria: Invitae Variant Classification Sherloc (09022015). Collection method: clinical testing. Allele origin: germline.
Comment: This sequence change replaces arginine, which is basic and polar, with leucine, which is neutral and non-polar, at codon 319 of the CYP7B1 protein (p.Arg319Leu). This variant is present in population databases (rs767826482, gnomAD 0.004%). This variant has not been reported in the literature in individuals affected with CYP7B1-related conditions. ClinVar contains an entry for this variant (Variation ID: 954090). Invitae Evidence Modeling of protein sequence and biophysical properties (such as structural, functional, and spatial information, amino acid conservation, physicochemical variation, residue mobility, and thermodynamic stability) has been performed for this missense variant. However, the output from this modeling did not meet the statistical confidence thresholds required to predict the impact of this variant on CYP7B1 protein function. In summary, the available evidence is currently insufficient to determine the role of this variant in disease. Therefore, it has been classified as a Variant of Uncertain Significance.

Ambry Genetics
Classification: Uncertain significance for Inborn genetic diseases. Last evaluated: 2023-10-05. Review status: criteria provided, single submitter. Criteria: Ambry Variant Classification Scheme 2023. Collection method: clinical testing. Allele origin: germline.

Athena Diagnostics
Classification: Uncertain significance. Last evaluated: 2021-08-12. Review status: criteria provided, single submitter. Criteria: Athena Diagnostics Criteria. Collection method: clinical testing. Allele origin: unknown.